The following is an entry in ClinVar:

ClinVar aggregate classification (germline): Uncertain significance. Review status: criteria provided, single submitter (1 of 4 stars). 3 submissions from 3 submitters: Uncertain significance (1). 2 of the submissions do not count toward it. Last evaluated 2022-01-03.

Conditions:
Bethlem myopathy 1A. Also called: MYOPATHY, BENIGN CONGENITAL, WITH CONTRACTURES; Bethlem Muscular Dystrophy; Bethlem myopathy 1. Identifiers: Orphanet 610, MedGen CN029274, MONDO:0024530, OMIM 158810.
Multiple joint contractures. Identifiers: MedGen C0158118, HP:0002828.

Allele frequency attached by ClinVar (database versions not stated): gnomAD 0.00001; gnomAD exomes 0.00001 and below 0.00001; 1000 Genomes Project 30x 0.00016; 1000 Genomes Project 0.00020; TOPMed below 0.00001; ExAC 0.00001.
gnomAD v4.1: 10 of 1,614,110 alleles (0.00062%); highest among the groups gnomAD compares: African/African-American, 0.0013%; no homozygotes.

Submissions (3):

Labcorp Genetics (formerly Invitae), Labcorp
Classification: Uncertain significance for Bethlem myopathy 1A. Last evaluated: 2022-01-03. Review status: criteria provided, single submitter. Criteria: Invitae Variant Classification Sherloc (09022015). Collection method: clinical testing. Allele origin: germline.
Comment: This sequence change replaces valine, which is neutral and non-polar, with methionine, which is neutral and non-polar, at codon 329 of the COL6A3 protein (p.Val329Met). The frequency data for this variant in the population databases is considered unreliable, as metrics indicate poor data quality at this position in the gnomAD database. This missense change has been observed in individual(s) with COL6A3-related conditions (PMID: 31230720). ClinVar contains an entry for this variant (Variation ID: 689566). Advanced modeling of protein sequence and biophysical properties (such as structural, functional, and spatial information, amino acid conservation, physicochemical variation, residue mobility, and thermodynamic stability) performed at Invitae indicates that this missense variant is not expected to disrupt COL6A3 protein function. In summary, the available evidence is currently insufficient to determine the role of this variant in disease. Therefore, it has been classified as a Variant of Uncertain Significance.

Institute of Human Genetics, University of Wuerzburg
Classification: Uncertain significance for Multiple joint contractures. Review status: no assertion criteria provided. Collection method: clinical testing. Allele origin: unknown. Not counted in ClinVar's aggregate classification.

Lupski Lab, Baylor-Hopkins CMG, Baylor College of Medicine
Classification: Uncertain significance for Bethlem myopathy 1A. Review status: no assertion criteria provided. Collection method: research. Allele origin: inherited. Inheritance: Autosomal recessive inheritance. Affected: yes. Observed: 4 variant alleles, 3 heterozygotes, 1 homozygote. Not counted in ClinVar's aggregate classification.

Literature cited by the submitters: PubMed 31230720 (cited by Labcorp Genetics (formerly Invitae), Labcorp).

NM_004369.4(COL6A3):c.985G>A (p.Val329Met)

Gene: COL6A3 (collagen type VI alpha 3 chain; minus strand). Cytogenetic location: 2q37.3.
Variant type: single nucleotide variant.
Coding change: c.985G>A on transcript NM_004369.4 (MANE Select); coding-DNA position 985, G replaced by A.
Protein change: p.Val329Met; replaces valine 329 with methionine.
Molecular consequence: missense variant. On other transcripts: intron variant (2).
Genome position (GRCh38, 1-based): chr2:237,387,909, C>T on the plus strand (G>A on the coding strand, the complement: COL6A3 is on the minus strand). VCF-style: chr2-237387909-C-T. GRCh37 (hg19) VCF-style: chr2-238296552-C-T.
Other names: c.367G>A, p.Val123Met (NM_057165.5, NM_057167.4); c.92-6410G>A (NM_057166.5, NM_057164.5); short protein forms V123M, V329M.
Identifiers: ClinVar variation 689566 (VCV000689566.10), dbSNP rs542283928, ClinGen allele CA2189731.